The following is an entry in ClinVar:

ClinVar aggregate classification (germline): Pathogenic (1 of 4 stars; one submission).

gnomAD v4.1: 1 of 1,504,050 alleles (0.000066%); highest among the groups gnomAD compares: East Asian, 0.0024%; no homozygotes.

Submission:

Labcorp Genetics (formerly Invitae), Labcorp
Classification: Pathogenic. Last evaluated: 2024-12-23. Review status: criteria provided, single submitter. Criteria: Invitae Variant Classification Sherloc (09022015). Collection method: clinical testing. Allele origin: germline.
Comment: This sequence change creates a premature translational stop signal (p.Tyr316*) in the PDE6A gene. It is expected to result in an absent or disrupted protein product. Loss-of-function variants in PDE6A are known to be pathogenic (PMID: 7493036, 22128245, 23847139). This variant is present in population databases (rs754048224, gnomAD 0.006%). This variant has not been reported in the literature in individuals affected with PDE6A-related conditions. For these reasons, this variant has been classified as Pathogenic.

Literature cited by the submitters: PubMed 7493036; PubMed 22128245; PubMed 23847139.

NM_000440.3(PDE6A):c.948C>G (p.Tyr316Ter)

Gene: PDE6A (phosphodiesterase 6A; minus strand). Cytogenetic location: 5q32.
Variant type: single nucleotide variant.
Coding change: c.948C>G on transcript NM_000440.3 (MANE Select); coding-DNA position 948, C replaced by G.
Protein change: p.Tyr316Ter; replaces tyrosine 316 with a stop codon.
Molecular consequence: nonsense.
Genome position (GRCh38, 1-based): chr5:149,914,993, G>C on the plus strand (C>G on the coding strand, the complement: PDE6A is on the minus strand). VCF-style: chr5-149914993-G-C. GRCh37 (hg19) VCF-style: chr5-149294556-G-C.
Other names: c.705C>G, p.Tyr235Ter (NM_001410788.1); short protein forms Y235*, Y316*.
Identifiers: ClinVar variation 3724223 (VCV003724223.2).